The following is an entry in ClinVar:

NM_004115.4(FGF14):c.139A>G (p.Ile47Val)

Gene: FGF14 (fibroblast growth factor 14; minus strand). Cytogenetic location: 13q33.1.
Variant type: single nucleotide variant.
Coding change: c.139A>G on transcript NM_004115.4 (MANE Select); coding-DNA position 139, A replaced by G.
Protein change: p.Ile47Val; replaces isoleucine 47 with valine.
Molecular consequence: missense variant. On other transcripts: intron variant (21).
Genome position (GRCh38, 1-based): chr13:101,916,507, T>C on the plus strand (A>G on the coding strand, the complement: FGF14 is on the minus strand). VCF-style: chr13-101916507-T-C. GRCh37 (hg19) VCF-style: chr13-102568857-T-C.
Other names: c.53-41211A>G (NM_001321947.2); c.92-41211A>G (NM_001379342.1, NM_001321948.2, NM_001321945.2); c.-59-41211A>G (NM_001321946.2, NM_001321949.1, NM_001321943.1 and 4 more transcripts); c.14-41211A>G (NM_001321938.2, NM_001321940.1, NM_001321933.1); c.209-47679A>G (NM_001321939.2); c.209-41211A>G (NM_175929.3, NM_001321937.2); c.8-41211A>G (NM_001321941.2); c.5-41211A>G (NM_001321944.1, NM_001321936.1, NM_001321932.1); short protein forms I47V.
Identifiers: ClinVar variation 3514927 (VCV003514927.4).

ClinVar aggregate classification (germline): Conflicting classifications of pathogenicity. Review status: criteria provided, conflicting classifications (1 of 4 stars). 3 submissions from 3 submitters: Uncertain significance (2); Likely benign (1). Last evaluated 2026-05-01.

Conditions:
Inborn genetic diseases. Identifiers: MedGen C0950123, MeSH D030342.

gnomAD v4.1: 13 of 1,613,792 alleles (0.00081%); highest among the groups gnomAD compares: Admixed American, 0.01%; no homozygotes.

Submissions (3):

CeGaT Center for Human Genetics Tuebingen
Classification: Likely benign. Last evaluated: 2026-05-01. Review status: criteria provided, single submitter. Criteria: CeGaT Center For Human Genetics Tuebingen Variant Classification Criteria Version 2. Collection method: clinical testing. Allele origin: germline. Affected: yes. Observed: 1 variant allele.
Comment: FGF14: BP4

Labcorp Genetics (formerly Invitae), Labcorp
Classification: Uncertain significance. Last evaluated: 2025-03-22. Review status: criteria provided, single submitter. Criteria: Invitae Variant Classification Sherloc (09022015). Collection method: clinical testing. Allele origin: germline.
Comment: This sequence change replaces isoleucine, which is neutral and non-polar, with valine, which is neutral and non-polar, at codon 47 of the FGF14 protein (p.Ile47Val). This variant is present in population databases (no rsID available, gnomAD 0.009%). This variant has not been reported in the literature in individuals affected with FGF14-related conditions. ClinVar contains an entry for this variant (Variation ID: 3514927). An algorithm developed to predict the effect of missense changes on protein structure and function (PolyPhen-2) suggests that this variant is likely to be tolerated. In summary, the available evidence is currently insufficient to determine the role of this variant in disease. Therefore, it has been classified as a Variant of Uncertain Significance.

Ambry Genetics
Classification: Uncertain significance for Inborn genetic diseases. Last evaluated: 2024-07-09. Review status: criteria provided, single submitter. Criteria: Ambry Variant Classification Scheme 2023. Collection method: clinical testing. Allele origin: germline.